The following is an entry in ClinVar:

NM_025074.7(FRAS1):c.95del (p.Asp32fs)

Gene: FRAS1 (Fraser extracellular matrix complex subunit 1; plus strand). Cytogenetic location: 4q21.21.
Variant type: Deletion.
Coding change: c.95del on transcript NM_025074.7 (MANE Select); coding-DNA position 95, one base deleted (A; older notation c.95delA).
Protein change: p.Asp32fs; shifts the reading frame from aspartic acid 32.
Molecular consequence: frameshift variant.
Genome position (GRCh38, 1-based): chr4:78,066,003, A deleted. VCF-style (leftmost placement, unchanged base first): chr4-78066002-GA-G. GRCh37 (hg19) VCF-style: chr4-78987156-GA-G.
Other names: c.95del, p.Asp32fs (NM_001166133.2); short protein forms D32fs.
Identifiers: ClinVar variation 2697557 (VCV002697557.3), dbSNP rs764836394, ClinGen allele CA2975817.
Genomic context (GRCh38, chr4:78,066,002, plus strand): 5'-TATTATGCATCCCTTTTAATTCTTGTTTTGTTTTTCCCCACAGGTGCTTGTGTCTATCAG[GA>G]TTCCTTGTTGGCGGTAGGTCATTCTTTACATACTTGGTTTCTGTCATTTGAATGTAAAAT-3'

ClinVar aggregate classification (germline): Pathogenic (1 of 4 stars; one submission).

Allele frequency attached by ClinVar (database versions not stated): gnomAD exomes below 0.00001; ExAC 0.00001.

Submission:

Labcorp Genetics (formerly Invitae), Labcorp
Classification: Pathogenic. Last evaluated: 2023-06-07. Review status: criteria provided, single submitter. Criteria: Invitae Variant Classification Sherloc (09022015). Collection method: clinical testing. Allele origin: germline.
Comment: This sequence change creates a premature translational stop signal (p.Asp32Valfs*47) in the FRAS1 gene. It is expected to result in an absent or disrupted protein product. Loss-of-function variants in FRAS1 are known to be pathogenic (PMID: 12766769, 18671281). This variant is present in population databases (rs764836394, gnomAD 0.006%). This variant has not been reported in the literature in individuals affected with FRAS1-related conditions. For these reasons, this variant has been classified as Pathogenic.

Literature cited by the submitters: PubMed 12766769; PubMed 18671281.